The following is an entry in ClinVar:

ClinVar aggregate classification (germline): Uncertain significance (1 of 4 stars; one submission).

gnomAD v4.1: 1 of 1,613,764 alleles (0.000062%); highest among the groups gnomAD compares: Non-Finnish European, 0.000085%; no homozygotes.

Submission:

Labcorp Genetics (formerly Invitae), Labcorp
Classification: Uncertain significance. Last evaluated: 2024-04-13. Review status: criteria provided, single submitter. Criteria: Invitae Variant Classification Sherloc (09022015). Collection method: clinical testing. Allele origin: germline.
Comment: This sequence change replaces threonine, which is neutral and polar, with isoleucine, which is neutral and non-polar, at codon 1054 of the MSH3 protein (p.Thr1054Ile). This variant is not present in population databases (gnomAD no frequency). This variant has not been reported in the literature in individuals affected with MSH3-related conditions. Algorithms developed to predict the effect of missense changes on protein structure and function output the following: SIFT: "Not Available"; PolyPhen-2: "Benign"; Align-GVGD: "Not Available". The isoleucine amino acid residue is found in multiple mammalian species, which suggests that this missense change does not adversely affect protein function. In summary, the available evidence is currently insufficient to determine the role of this variant in disease. Therefore, it has been classified as a Variant of Uncertain Significance.

NM_002439.5(MSH3):c.3161C>T (p.Thr1054Ile)

Gene: MSH3 (mutS homolog 3; plus strand). Cytogenetic location: 5q14.1.
Variant type: single nucleotide variant.
Coding change: c.3161C>T on transcript NM_002439.5 (MANE Select); coding-DNA position 3161, C replaced by T.
Protein change: p.Thr1054Ile; replaces threonine 1054 with isoleucine.
Molecular consequence: missense variant.
Genome position (GRCh38, 1-based): chr5:80,873,146, C>T. VCF-style: chr5-80873146-C-T. GRCh37 (hg19) VCF-style: chr5-80168965-C-T.
Other names: short protein forms T1054I.
Identifiers: ClinVar variation 3629011 (VCV003629011.2).